The following is an entry in ClinVar:

ClinVar aggregate classification (germline): Uncertain significance. Review status: criteria provided, multiple submitters, no conflicts (2 of 4 stars). 2 submissions from 2 submitters: Uncertain significance (2). Last evaluated 2022-12-02.

Allele frequency attached by ClinVar (database versions not stated): gnomAD exomes below 0.00001.
gnomAD v4.1: 1 of 1,613,962 alleles (0.000062%); highest among the groups gnomAD compares: East Asian, 0.0022%; no homozygotes.

Submissions (2):

Ambry Genetics
Classification: Uncertain significance. Last evaluated: 2022-12-02. Review status: criteria provided, single submitter. Criteria: Ambry Variant Classification Scheme 2023. Collection method: clinical testing. Allele origin: germline.

Labcorp Genetics (formerly Invitae), Labcorp
Classification: Uncertain significance. Last evaluated: 2022-10-27. Review status: criteria provided, single submitter. Criteria: Invitae Variant Classification Sherloc (09022015). Collection method: clinical testing. Allele origin: germline.
Comment: In summary, the available evidence is currently insufficient to determine the role of this variant in disease. Therefore, it has been classified as a Variant of Uncertain Significance. Algorithms developed to predict the effect of missense changes on protein structure and function (SIFT, PolyPhen-2, Align-GVGD) all suggest that this variant is likely to be disruptive. This variant has not been reported in the literature in individuals affected with HMCN1-related conditions. This variant is present in population databases (no rsID available, gnomAD 0.01%). This sequence change replaces threonine, which is neutral and polar, with arginine, which is basic and polar, at codon 4066 of the HMCN1 protein (p.Thr4066Arg).

NM_031935.3(HMCN1):c.12197C>G (p.Thr4066Arg)

Gene: HMCN1 (hemicentin 1; plus strand). Cytogenetic location: 1q31.1.
Variant type: single nucleotide variant.
Coding change: c.12197C>G on transcript NM_031935.3 (MANE Select); coding-DNA position 12197, C replaced by G.
Protein change: p.Thr4066Arg; replaces threonine 4066 with arginine.
Molecular consequence: missense variant.
Genome position (GRCh38, 1-based): chr1:186,120,113, C>G. VCF-style: chr1-186120113-C-G. GRCh37 (hg19) VCF-style: chr1-186089245-C-G.
Other names: short protein forms T4066R.
Identifiers: ClinVar variation 2331985 (VCV002331985.5), dbSNP rs1303493623, ClinGen allele CA343949288.